The following is an entry in ClinVar:

NM_000062.3(SERPING1):c.934C>T (p.Pro312Ser)

Gene: SERPING1 (serpin family G member 1; plus strand). Cytogenetic location: 11q12.1.
Variant type: single nucleotide variant.
Coding change: c.934C>T on transcript NM_000062.3 (MANE Select); coding-DNA position 934, C replaced by T.
Protein change: p.Pro312Ser; replaces proline 312 with serine.
Molecular consequence: missense variant.
Genome position (GRCh38, 1-based): chr11:57,606,452, C>T. VCF-style: chr11-57606452-C-T. GRCh37 (hg19) VCF-style: chr11-57373925-C-T.
Other names: c.934C>T, p.Pro312Ser (NM_001032295.2); short protein forms P312S.
Identifiers: ClinVar variation 2739741 (VCV002739741.3), dbSNP rs1243852802, ClinGen allele CA380700338.

ClinVar aggregate classification (germline): Uncertain significance (1 of 4 stars; one submission).

Allele frequency attached by ClinVar (database versions not stated): gnomAD exomes 0.00001.
gnomAD v4.1: 4 of 1,614,166 alleles (0.00025%); highest among the groups gnomAD compares: Non-Finnish European, 0.00017%; no homozygotes.

Submission:

Labcorp Genetics (formerly Invitae), Labcorp
Classification: Uncertain significance. Last evaluated: 2023-01-09. Review status: criteria provided, single submitter. Criteria: Invitae Variant Classification Sherloc (09022015). Collection method: clinical testing. Allele origin: germline.
Comment: This sequence change replaces proline, which is neutral and non-polar, with serine, which is neutral and polar, at codon 312 of the SERPING1 protein (p.Pro312Ser). This variant is present in population databases (no rsID available, gnomAD 0.01%). This variant has not been reported in the literature in individuals affected with SERPING1-related conditions. Algorithms developed to predict the effect of missense changes on protein structure and function output the following: SIFT: "Tolerated"; PolyPhen-2: "Benign"; Align-GVGD: "Class C0". The serine amino acid residue is found in multiple mammalian species, which suggests that this missense change does not adversely affect protein function. In summary, the available evidence is currently insufficient to determine the role of this variant in disease. Therefore, it has been classified as a Variant of Uncertain Significance.